The following is an entry in ClinVar:

NM_001365999.1(SZT2):c.9866G>T (p.Gly3289Val)

Genes: SZT2 (SZT2 subunit of KICSTOR complex; plus strand), SZT2-AS1 (SZT2 antisense RNA 1; minus strand). Cytogenetic location: 1p34.2.
Variant type: single nucleotide variant.
Coding change: c.9866G>T on transcript NM_001365999.1 (MANE Select); coding-DNA position 9866, G replaced by T.
Protein change: p.Gly3289Val; replaces glycine 3289 with valine.
Molecular consequence: missense variant. On other transcripts: non-coding transcript variant (1).
Genome position (GRCh38, 1-based): chr1:43,448,381, G>T. VCF-style: chr1-43448381-G-T. GRCh37 (hg19) VCF-style: chr1-43914052-G-T.
Other names: c.9695G>T, p.Gly3232Val (NM_015284.4); short protein forms G3289V, G3232V.
Identifiers: ClinVar variation 955816 (VCV000955816.37), dbSNP rs371736872, ClinGen allele CA811022.

ClinVar aggregate classification (germline): Uncertain significance. Review status: criteria provided, multiple submitters, no conflicts (2 of 4 stars). 8 submissions from 8 submitters: Uncertain significance (8). Last evaluated 2025-11-05.

Conditions:
Inborn genetic diseases. Identifiers: MedGen C0950123, MeSH D030342.
Developmental and epileptic encephalopathy, 18 (DEE18). Also called: Early infantile epileptic encephalopathy 18. Identifiers: Orphanet 369894, MedGen C3809624, MONDO:0014201, OMIM 615476.

Allele frequency attached by ClinVar (database versions not stated): TOPMed 0.00002; gnomAD 0.00003 and 0.00004; gnomAD exomes 0.00007 and 0.00010; ESP Exome Variant Server 0.00008; ExAC 0.00018.
gnomAD v4.1: 150 of 1,563,174 alleles (0.0096%); highest among the groups gnomAD compares: Middle Eastern, 0.05%; no homozygotes.

Submissions (8):

GeneDx
Classification: Uncertain significance. Last evaluated: 2025-11-05. Review status: criteria provided, single submitter. Criteria: GeneDx Variant Classification Process June 2021. Collection method: clinical testing. Allele origin: germline. Affected: yes.
Comment: Not observed at significant frequency in large population cohorts (gnomAD); In silico analysis suggests that this missense variant does not alter protein structure/function; Has not been previously published as pathogenic or benign to our knowledge

Ambry Genetics
Classification: Uncertain significance for Inborn genetic diseases. Last evaluated: 2025-09-01. Review status: criteria provided, single submitter. Criteria: Ambry Variant Classification Scheme 2023. Collection method: clinical testing. Allele origin: germline.

Blueprint Genetics
Classification: Uncertain significance. Last evaluated: 2024-06-25. Review status: criteria provided, single submitter. Criteria: ACMG Guidelines, 2015. Collection method: clinical testing. Allele origin: germline.

CeGaT Center for Human Genetics Tuebingen
Classification: Uncertain significance. Last evaluated: 2024-04-01. Review status: criteria provided, single submitter. Criteria: CeGaT Center For Human Genetics Tuebingen Variant Classification Criteria Version 2. Collection method: clinical testing. Allele origin: germline. Affected: yes. Observed: 1 variant allele.
Comment: SZT2: PM2

Fulgent Genetics
Classification: Uncertain significance for Developmental and epileptic encephalopathy, 18. Last evaluated: 2024-01-22. Review status: criteria provided, single submitter. Criteria: ACMG Guidelines, 2015. Collection method: clinical testing. Allele origin: germline.

Genome-Nilou Lab
Classification: Uncertain significance for Developmental and epileptic encephalopathy, 18. Last evaluated: 2023-04-11. Review status: criteria provided, single submitter. Criteria: ACMG Guidelines, 2015. Collection method: clinical testing. Allele origin: germline. Affected: no.

Labcorp Genetics (formerly Invitae), Labcorp
Classification: Uncertain significance. Last evaluated: 2022-10-08. Review status: criteria provided, single submitter. Criteria: Invitae Variant Classification Sherloc (09022015). Collection method: clinical testing. Allele origin: germline.
Comment: This sequence change replaces glycine, which is neutral and non-polar, with valine, which is neutral and non-polar, at codon 3232 of the SZT2 protein (p.Gly3232Val). This variant is present in population databases (rs371736872, gnomAD 0.01%). This variant has not been reported in the literature in individuals affected with SZT2-related conditions. ClinVar contains an entry for this variant (Variation ID: 955816). Advanced modeling of protein sequence and biophysical properties (such as structural, functional, and spatial information, amino acid conservation, physicochemical variation, residue mobility, and thermodynamic stability) has been performed at Invitae for this missense variant, however the output from this modeling did not meet the statistical confidence thresholds required to predict the impact of this variant on SZT2 protein function. Algorithms developed to predict the effect of sequence changes on RNA splicing suggest that this variant may create or strengthen a splice site. In summary, the available evidence is currently insufficient to determine the role of this variant in disease. Therefore, it has been classified as a Variant of Uncertain Significance.

Victorian Clinical Genetics Services, Murdoch Childrens Research Institute
Classification: Uncertain significance for Developmental and epileptic encephalopathy, 18. Last evaluated: 2020-05-21. Review status: criteria provided, single submitter. Criteria: ACMG Guidelines, 2015. Collection method: clinical testing. Allele origin: germline. Inheritance: Autosomal recessive inheritance.
Comment: A heterozygous missense variant was identified, NM_015284.3(SZT2):c.9695G>T in exon 68 of 71 of the SZT2 gene. This substitution is predicted to create a major amino acid change from a glycine to a valine at position 3232 of the protein, NP_056099.3(SZT2):p.(Gly3232Val). The glycine at this position has moderate conservation (100 vertebrates, UCSC), but is not situated in a known functional domain. In silico software predicts this variant to be damaging (Polyphen, SIFT, CADD, Mutation Taster). The variant is present in the gnomAD population database at a frequency of 0.0069% (14 heterozygotes, 0 homozygotes). The variant has not been previously reported in clinical cases. Based on information available at the time of curation, this variant has been classified as a VARIANT of UNCERTAIN SIGNIFICANCE (VUS).